The following is an entry in ClinVar:

NM_181486.4(TBX5):c.243-1G>A

Gene: TBX5 (T-box transcription factor 5; minus strand). Cytogenetic location: 12q24.21.
Variant type: single nucleotide variant.
Coding change: c.243-1G>A on transcript NM_181486.4 (MANE Select); the canonical splice acceptor site of the intron before coding-DNA position 243, G replaced by A.
Molecular consequence: splice acceptor variant.
Genome position (GRCh38, 1-based): chr12:114,399,633, C>T on the plus strand (G>A on the coding strand, the complement: TBX5 is on the minus strand). VCF-style: chr12-114399633-C-T. GRCh37 (hg19) VCF-style: chr12-114837438-C-T.
Other names: c.93-1G>A (NM_080717.4); c.243-1G>A (NM_000192.3).
Identifiers: ClinVar variation 855378 (VCV000855378.4), dbSNP rs1871673582, ClinGen allele CA386862947.

ClinVar aggregate classification (germline): Pathogenic/Likely pathogenic. Review status: criteria provided, multiple submitters, no conflicts (2 of 4 stars). 2 submissions from 2 submitters: Pathogenic (1); Likely pathogenic (1). Last evaluated 2026-01-16.

Conditions:
Cardiovascular phenotype. Identifiers: MedGen CN230736.
Aortic valve disease 2 (AOVD2). Identifiers: MedGen C3542024, MONDO:0013902, OMIM 614823.

Submissions (2):

Molecular Diagnostic Laboratory for Inherited Cardiovascular Disease, Montreal Heart Institute
Classification: Pathogenic for Cardiovascular phenotype. Last evaluated: 2026-01-16. Review status: criteria provided, single submitter. Criteria: ACMG Guidelines, 2015. Collection method: clinical testing. Allele origin: germline. Affected: yes.
Comment: PVS1, PM2, PP4

Labcorp Genetics (formerly Invitae), Labcorp
Classification: Likely pathogenic for Aortic valve disease 2. Last evaluated: 2019-01-27. Review status: criteria provided, single submitter. Criteria: Invitae Variant Classification Sherloc (09022015). Collection method: clinical testing. Allele origin: germline.
Comment: This sequence change affects an acceptor splice site in intron 3 of the TBX5 gene. It is expected to disrupt RNA splicing and likely results in an absent or disrupted protein product. This variant is not present in population databases (ExAC no frequency). This variant has not been reported in the literature in individuals with TBX5-related conditions. Algorithms developed to predict the effect of sequence changes on RNA splicing suggest that this variant may disrupt the consensus splice site, but this prediction has not been confirmed by published transcriptional studies. Donor and acceptor splice site variants typically lead to a loss of protein function (PMID: 16199547), and loss-of-function variants in TBX5 are known to be pathogenic (PMID: 16183809, 16917909). In summary, the currently available evidence indicates that the variant is pathogenic, but additional data are needed to prove that conclusively. Therefore, this variant has been classified as Likely Pathogenic.

Literature cited by the submitters: PubMed 16199547 (cited by Labcorp Genetics (formerly Invitae), Labcorp); PubMed 16183809 (cited by Labcorp Genetics (formerly Invitae), Labcorp); PubMed 16917909 (cited by Labcorp Genetics (formerly Invitae), Labcorp).